The following is an entry in ClinVar:

NM_000384.3(APOB):c.1249C>G (p.Leu417Val)

Gene: APOB (apolipoprotein B; minus strand). Cytogenetic location: 2p24.1.
Variant type: single nucleotide variant.
Coding change: c.1249C>G on transcript NM_000384.3 (MANE Select); coding-DNA position 1249, C replaced by G.
Protein change: p.Leu417Val; replaces leucine 417 with valine.
Molecular consequence: missense variant.
Genome position (GRCh38, 1-based): chr2:21,032,457, G>C on the plus strand (C>G on the coding strand, the complement: APOB is on the minus strand). VCF-style: chr2-21032457-G-C. GRCh37 (hg19) VCF-style: chr2-21255329-G-C.
Other names: short protein forms L417V.
Identifiers: ClinVar variation 921669 (VCV000921669.6), dbSNP rs1558574043, ClinGen allele CA345957894.

ClinVar aggregate classification (germline): Uncertain significance (1 of 4 stars; one submission).

Conditions:
Cardiovascular phenotype. Identifiers: MedGen CN230736.

Allele frequency attached by ClinVar (database versions not stated): gnomAD 0.00001; gnomAD exomes below 0.00001; TOPMed below 0.00001.
gnomAD v4.1: 5 of 1,614,044 alleles (0.00031%); highest among the groups gnomAD compares: Non-Finnish European, 0.00042%; no homozygotes.

Submission:

Ambry Genetics
Classification: Uncertain significance for Cardiovascular phenotype. Last evaluated: 2026-08-08. Review status: criteria provided, single submitter. Criteria: Ambry Variant Classification Scheme 2023. Collection method: clinical testing. Allele origin: germline.
Comment: The p.L417V variant (also known as c.1249C>G), located in coding exon 10 of the APOB gene, results from a C to G substitution at nucleotide position 1249. The leucine at codon 417 is replaced by valine, an amino acid with highly similar properties. This amino acid position is conserved. In addition, this alteration is predicted to be tolerated by in silico analysis. Based on the available evidence, the clinical significance of this variant remains unclear.